The following is an entry in ClinVar:

ClinVar aggregate classification (germline): Uncertain significance (1 of 4 stars; one submission).

Conditions:
Emery-Dreifuss muscular dystrophy (EDMD). Also called: Scapuloperoneal syndrome, X-linked (formerly); Humeroperoneal neuromuscular disease, (formerly). Identifiers: Orphanet 261, MedGen C0410189, MONDO:0016830.

Allele frequency attached by ClinVar (database versions not stated): gnomAD 0.00001; TOPMed 0.00001.
gnomAD v4.1: 4 of 1,613,538 alleles (0.00025%); highest among the groups gnomAD compares: African/African-American, 0.0013%; no homozygotes.

Submission:

Labcorp Genetics (formerly Invitae), Labcorp
Classification: Uncertain significance for Emery-Dreifuss muscular dystrophy. Last evaluated: 2024-10-22. Review status: criteria provided, single submitter. Criteria: Invitae Variant Classification Sherloc (09022015). Collection method: clinical testing. Allele origin: germline.
Comment: This sequence change replaces glutamic acid, which is acidic and polar, with lysine, which is basic and polar, at codon 568 of the SUN2 protein (p.Glu568Lys). This variant is present in population databases (no rsID available, gnomAD 0.006%). This variant has not been reported in the literature in individuals affected with SUN2-related conditions. ClinVar contains an entry for this variant (Variation ID: 2197282). An algorithm developed to predict the effect of missense changes on protein structure and function (PolyPhen-2) suggests that this variant is likely to be disruptive. In summary, the available evidence is currently insufficient to determine the role of this variant in disease. Therefore, it has been classified as a Variant of Uncertain Significance.

NM_015374.3(SUN2):c.1702G>A (p.Glu568Lys)

Genes: GTPBP1 (GTP binding protein 1; plus strand), SUN2 (Sad1 and UNC84 domain containing 2; minus strand). Cytogenetic location: 22q13.1.
Variant type: single nucleotide variant.
Coding change: c.1702G>A on transcript NM_015374.3 (MANE Select); coding-DNA position 1702, G replaced by A.
Protein change: p.Glu568Lys; replaces glutamic acid 568 with lysine.
Molecular consequence: missense variant.
Genome position (GRCh38, 1-based): chr22:38,738,950, C>T on the plus strand (G>A on the coding strand, the complement: SUN2 is on the minus strand). VCF-style: chr22-38738950-C-T. GRCh37 (hg19) VCF-style: chr22-39134955-C-T.
Other names: c.1765G>A, p.Glu589Lys (NM_001199579.2, NM_001394428.1); c.1702G>A, p.Glu568Lys (NM_001199580.2, NM_001394431.1, NM_001394432.1 and 3 more transcripts); c.1795G>A, p.Glu599Lys (NM_001394427.1); c.1747G>A, p.Glu583Lys (NM_001394429.1, NM_001394430.1); c.1126G>A, p.Glu376Lys (NM_001394444.1, NM_001394445.1); c.1699G>A, p.Glu567Lys (NM_001394436.1, NM_001394437.1); c.1612G>A, p.Glu538Lys (NM_001394438.1); c.1564G>A, p.Glu522Lys (NM_001394439.1, NM_001394440.1, NM_001394441.1); and 2 more; short protein forms E538K, E567K, E583K, E599K, E376K, E589K, E522K, E404K.
Identifiers: ClinVar variation 2197282 (VCV002197282.4), dbSNP rs868474704, ClinGen allele CA324298935.